The following is an entry in ClinVar:

NM_001271.4(CHD2):c.4985A>G (p.His1662Arg)

Gene: CHD2 (chromodomain helicase DNA binding protein 2; plus strand). Cytogenetic location: 15q26.1.
Variant type: single nucleotide variant.
Coding change: c.4985A>G on transcript NM_001271.4 (MANE Select); coding-DNA position 4985, A replaced by G.
Protein change: p.His1662Arg; replaces histidine 1662 with arginine.
Molecular consequence: missense variant.
Genome position (GRCh38, 1-based): chr15:93,020,090, A>G. VCF-style: chr15-93020090-A-G. GRCh37 (hg19) VCF-style: chr15-93563320-A-G.
Other names: short protein forms H1662R.
Identifiers: ClinVar variation 4988048 (VCV004988048.1).

ClinVar aggregate classification (germline): Uncertain significance (1 of 4 stars; one submission).

Conditions:
CHD2-related disorder. Also called: CHD2-related condition.

Submission:

PreventionGenetics, part of Exact Sciences
Classification: Uncertain significance for CHD2-related condition. Last evaluated: 2025-04-17. Review status: criteria provided, single submitter. Criteria: ACMG Guidelines, 2015. Collection method: clinical testing. Allele origin: germline.
Comment: The CHD2 c.4985A>G variant is predicted to result in the amino acid substitution p.His1662Arg. To our knowledge, this variant has not been reported in the literature or in a large population database (gnomAD), indicating this variant is rare. At this time, the clinical significance of this variant is uncertain due to the absence of conclusive functional and genetic evidence.